The following is an entry in ClinVar:

NM_001103.4(ACTN2):c.584C>T (p.Pro195Leu)

Gene: ACTN2 (actinin alpha 2; plus strand). Cytogenetic location: 1q43.
Variant type: single nucleotide variant.
Coding change: c.584C>T on transcript NM_001103.4 (MANE Select); coding-DNA position 584, C replaced by T.
Protein change: p.Pro195Leu; replaces proline 195 with leucine.
Molecular consequence: missense variant. On other transcripts: non-coding transcript variant (1).
Genome position (GRCh38, 1-based): chr1:236,727,725, C>T. VCF-style: chr1-236727725-C-T. GRCh37 (hg19) VCF-style: chr1-236891025-C-T.
Other names: c.584C>T, p.Pro195Leu (NM_001278343.2); short protein forms P195L.
Identifiers: ClinVar variation 4002217 (VCV004002217.1).

ClinVar aggregate classification (germline): Uncertain significance (1 of 4 stars; one submission).

Conditions:
Cardiovascular phenotype. Identifiers: MedGen CN230736.

gnomAD v4.1: 1 of 1,614,186 alleles (0.000062%); highest among the groups gnomAD compares: Non-Finnish European, 0.000085%; no homozygotes.

Submission:

Ambry Genetics
Classification: Uncertain significance for Cardiovascular phenotype. Last evaluated: 2025-04-05. Review status: criteria provided, single submitter. Criteria: Ambry Variant Classification Scheme 2023. Collection method: clinical testing. Allele origin: germline.
Comment: The p.P195L variant (also known as c.584C>T), located in coding exon 6 of the ACTN2 gene, results from a C to T substitution at nucleotide position 584. The proline at codon 195 is replaced by leucine, an amino acid with similar properties. This amino acid position is conserved. In addition, this alteration is predicted to be deleterious by in silico analysis. Based on the available evidence, the clinical significance of this variant remains unclear.